The following is an entry in ClinVar:

NM_003919.3(SGCE):c.1064+3_1064+6del

Genes: CASD1 (CAS1 domain sialic acid O acetyltransferase 1; plus strand), SGCE (sarcoglycan epsilon; minus strand). Cytogenetic location: 7q21.3.
Variant type: Deletion.
Coding change: c.1064+3_1064+6del on transcript NM_003919.3 (MANE Select); bases 3 to 6 of the intron after coding-DNA position 1064, 4 bases deleted (AAGT; older notation c.1064+3_1064+6delAAGT).
Molecular consequence: splice donor variant. On other transcripts: intron variant (6).
Genome position (GRCh38, 1-based): chr7:94,599,691-94,599,694, ACTT deleted on the plus strand (AAGT on the coding strand, the reverse complement: SGCE is on the minus strand); deleting any 4 consecutive bases within chr7:94,599,691-94,599,697 gives the same sequence; the c. name uses the placement nearest the transcript's 3' end. VCF-style (leftmost placement, unchanged base first): chr7-94599690-CACTT-C. GRCh37 (hg19) VCF-style: chr7-94229002-CACTT-C.
Other names: c.915-731_915-728del (NM_001362809.2); c.941+3_941+6del (NM_001301139.2); c.1038-731_1038-728del (NM_001346717.2, NM_001099400.2); c.1064+3_1064+6del (NM_001099401.2); c.1146-731_1146-728del (NM_001346715.2); c.1172+3_1172+6del (NM_001346713.2); c.951-731_951-728del (NM_001362807.2); c.765-731_765-728del (NM_001362808.2); and 2 more.
Identifiers: ClinVar variation 1201283 (VCV001201283.8), dbSNP rs1304738505, ClinGen allele CA368229507.

ClinVar aggregate classification (germline): Uncertain significance. Review status: criteria provided, multiple submitters, no conflicts (2 of 4 stars). 2 submissions from 2 submitters: Uncertain significance (2). Last evaluated 2024-08-24.

Conditions:
Myoclonic dystonia 11 (DYT11). Also called: DYT-SGCE; Myoclonic dystonia; Dystonia 11; Dystonia, alcohol responsive; Hereditary essential myoclonus; SGCE Myoclonus-Dystonia. Identifiers: Orphanet 36899, MedGen C1834570, MONDO:0008044, OMIM 159900.

Submissions (2):

Labcorp Genetics (formerly Invitae), Labcorp
Classification: Uncertain significance for Myoclonic dystonia 11. Last evaluated: 2024-08-24. Review status: criteria provided, single submitter. Criteria: Invitae Variant Classification Sherloc (09022015). Collection method: clinical testing. Allele origin: germline.
Comment: This sequence change falls in intron 8 of the SGCE gene. It does not directly change the encoded amino acid sequence of the SGCE protein. It affects a nucleotide within the consensus splice site. This variant is present in population databases (no rsID available, gnomAD 0.01%). This variant has not been reported in the literature in individuals affected with SGCE-related conditions. ClinVar contains an entry for this variant (Variation ID: 1201283). Variants that disrupt the consensus splice site are a relatively common cause of aberrant splicing (PMID: 17576681, 9536098). Algorithms developed to predict the effect of sequence changes on RNA splicing suggest that this variant may disrupt the consensus splice site. In summary, the available evidence is currently insufficient to determine the role of this variant in disease. Therefore, it has been classified as a Variant of Uncertain Significance.

GeneDx
Classification: Uncertain significance. Last evaluated: 2020-09-08. Review status: criteria provided, single submitter. Criteria: GeneDx Variant Classification Process June 2021. Collection method: clinical testing. Allele origin: germline. Affected: yes.
Comment: Not observed at a significant frequency in large population cohorts (Lek et al., 2016); Intronic +5 splice site variant in a gene for which loss-of-function is a known mechanism of disease, and both splice predictors and evolutionary conservation support a deleterious effect, although in the absence of functional evidence the actual effect of this sequence change is unknown.; Has not been previously published as pathogenic or benign to our knowledge

Literature cited by the submitters: PubMed 17576681 (cited by Labcorp Genetics (formerly Invitae), Labcorp); PubMed 9536098 (cited by Labcorp Genetics (formerly Invitae), Labcorp).